The following is an entry in ClinVar:

ClinVar aggregate classification (germline): Uncertain significance (1 of 4 stars; one submission).

Submission:

Ambry Genetics
Classification: Uncertain significance. Last evaluated: 2023-04-05. Review status: criteria provided, single submitter. Criteria: Ambry Variant Classification Scheme 2023. Collection method: clinical testing. Allele origin: germline.
Comment: The p.V22L variant (also known as c.64G>T), located in coding exon 1 of the TERF2IP gene, results from a G to T substitution at nucleotide position 64. The valine at codon 22 is replaced by leucine, an amino acid with highly similar properties. This amino acid position is conserved. In addition, this alteration is predicted to be tolerated by in silico analysis. Since supporting evidence is limited at this time, the clinical significance of this alteration remains unclear.

NM_018975.4(TERF2IP):c.64G>T (p.Val22Leu)

Gene: TERF2IP (TERF2 interacting protein; plus strand). Cytogenetic location: 16q23.1.
Variant type: single nucleotide variant.
Coding change: c.64G>T on transcript NM_018975.4 (MANE Select); coding-DNA position 64, G replaced by T.
Protein change: p.Val22Leu; replaces valine 22 with leucine.
Molecular consequence: missense variant. On other transcripts: non-coding transcript variant (1).
Genome position (GRCh38, 1-based): chr16:75,647,946, G>T. VCF-style: chr16-75647946-G-T. GRCh37 (hg19) VCF-style: chr16-75681844-G-T.
Other names: short protein forms V22L.
Identifiers: ClinVar variation 2560494 (VCV002560494.2), dbSNP rs2507072333, ClinGen allele CA396817150.